The following is an entry in ClinVar:

ClinVar aggregate classification (germline): Uncertain significance (1 of 4 stars; one submission).

Conditions:
Congenital sideroblastic anemia-B-cell immunodeficiency-periodic fever-developmental delay syndrome. Also called: Sideroblastic anemia with B-cell immunodeficiency, periodic fevers, and developmental delay. Identifiers: Orphanet 369861, MedGen C4015172, MONDO:0014487, OMIM 616084.

Allele frequency attached by ClinVar (database versions not stated): gnomAD exomes below 0.00001.
gnomAD v4.1: 6 of 1,601,188 alleles (0.00037%); highest among the groups gnomAD compares: African/African-American, 0.0067%; no homozygotes.

Submission:

Labcorp Genetics (formerly Invitae), Labcorp
Classification: Uncertain significance for Congenital sideroblastic anemia-B-cell immunodeficiency-periodic fever-developmental delay syndrome. Last evaluated: 2022-09-07. Review status: criteria provided, single submitter. Criteria: Invitae Variant Classification Sherloc (09022015). Collection method: clinical testing. Allele origin: germline.
Comment: Algorithms developed to predict the effect of missense changes on protein structure and function (SIFT, PolyPhen-2, Align-GVGD) all suggest that this variant is likely to be tolerated. In summary, the available evidence is currently insufficient to determine the role of this variant in disease. Therefore, it has been classified as a Variant of Uncertain Significance. Algorithms developed to predict the effect of sequence changes on RNA splicing suggest that this variant may create or strengthen a splice site. This variant has not been reported in the literature in individuals affected with TRNT1-related conditions. This variant is not present in population databases (gnomAD no frequency). This sequence change replaces isoleucine, which is neutral and non-polar, with threonine, which is neutral and polar, at codon 267 of the TRNT1 protein (p.Ile267Thr).

NM_182916.3(TRNT1):c.800T>C (p.Ile267Thr)

Gene: TRNT1 (tRNA nucleotidyl transferase 1; plus strand). Cytogenetic location: 3p26.2.
Variant type: single nucleotide variant.
Coding change: c.800T>C on transcript NM_182916.3 (MANE Select); coding-DNA position 800, T replaced by C.
Protein change: p.Ile267Thr; replaces isoleucine 267 with threonine.
Molecular consequence: missense variant. On other transcripts: non-coding transcript variant (6), intron variant (1).
Genome position (GRCh38, 1-based): chr3:3,146,621, T>C. VCF-style: chr3-3146621-T-C. GRCh37 (hg19) VCF-style: chr3-3188305-T-C.
Other names: c.800T>C, p.Ile267Thr (NM_001367321.1, NM_001367322.1, NM_001367323.1); c.742+58T>C (NM_001302946.2); short protein forms I267T.
Identifiers: ClinVar variation 2196440 (VCV002196440.4), dbSNP rs113909075, ClinGen allele CA68734496.